The following is an entry in ClinVar:

ClinVar aggregate classification (germline): Uncertain significance (1 of 4 stars; one submission).

Conditions:
Pyruvate carboxylase deficiency. Also called: Pyruvate Carboxylase Deficiency Disease; PC DEFICIENCY; ATAXIA WITH LACTIC ACIDOSIS II; LEIGH NECROTIZING ENCEPHALOPATHY DUE TO PYRUVATE CARBOXYLASE DEFICIENCY; LEIGH SYNDROME DUE TO PYRUVATE CARBOXYLASE DEFICIENCY. Identifiers: Orphanet 3008, MedGen C0034341, MONDO:0009949, OMIM 266150.

Submission:

3billion
Classification: Uncertain significance for Pyruvate carboxylase deficiency. Last evaluated: 2023-12-08. Review status: criteria provided, single submitter. Criteria: ACMG Guidelines, 2015. Collection method: clinical testing. Allele origin: germline. Affected: yes.
Comment: The variant is not observed in the gnomAD v2.1.1 dataset. Predicted Consequence/Location: The majority of the known disease-causing variants of this gene are variants expected to result in premature termination of the protein. Premature termination of the protein is a common disease-causing mechanism for this gene. In silico tool predictions suggest damaging effect of the variant on gene or gene product [REVEL: 0.95 (>=0.6, sensitivity 0.68 and specificity 0.92); 3Cnet: 0.72 (>=0.6, sensitivity 0.72 and precision 0.9)]. Therefore, this variant is classified as VUS according to the recommendation of ACMG/AMP guideline.

NM_001040716.2(PC):c.1111G>T (p.Gly371Trp)

Gene: PC (pyruvate carboxylase; minus strand). Cytogenetic location: 11q13.2.
Variant type: single nucleotide variant.
Coding change: c.1111G>T on transcript NM_001040716.2 (MANE Select); coding-DNA position 1111, G replaced by T.
Protein change: p.Gly371Trp; replaces glycine 371 with tryptophan.
Molecular consequence: missense variant.
Genome position (GRCh38, 1-based): chr11:66,866,261, C>A on the plus strand (G>T on the coding strand, the complement: PC is on the minus strand). VCF-style: chr11-66866261-C-A. GRCh37 (hg19) VCF-style: chr11-66633732-C-A.
Other names: c.1111G>T, p.Gly371Trp (NM_000920.4, NM_022172.3); short protein forms G371W.
Identifiers: ClinVar variation 3775422 (VCV003775422.1).
Genomic context (GRCh38, chr11:66,866,261, plus strand): 5'-TGTCCGGCTGGAAGCTGCGCGCGGGGTCCTCGGTGGTGACCCGGCACTGGATGGCACACC[C>A]GTTGATGCGGATGTTCTCCTGCCGCAGGCCCAGGTCGGGTAGGCTCCTGCCCTCAGCCAC-3'
Protein context (NP_001035806.1, residues 361-381): GLRQENIRIN[Gly371Trp]CAIQCRVTTE